The following is an entry in ClinVar:

ClinVar aggregate classification (germline): Pathogenic (1 of 4 stars; one submission).

Conditions:
Developmental and epileptic encephalopathy, 9 (DEE9). Also called: Early infantile epileptic encephalopathy 9; EPILEPSY, FEMALE-RESTRICTED, WITH MENTAL RETARDATION; JUBERG-HELLMAN SYNDROME; PCDH19-Related X-Linked Female-Limited Epilepsy with Mental Retardation. Identifiers: Orphanet 101039, Orphanet 2076, MedGen C1848137, MONDO:0010246, OMIM 300088. Disease mechanism: loss of function.

Submission:

Labcorp Genetics (formerly Invitae), Labcorp
Classification: Pathogenic for Developmental and epileptic encephalopathy, 9. Last evaluated: 2022-06-13. Review status: criteria provided, single submitter. Criteria: Invitae Variant Classification Sherloc (09022015). Collection method: clinical testing. Allele origin: germline.
Comment: This sequence change creates a premature translational stop signal (p.Lys84Asnfs*31) in the PCDH19 gene. It is expected to result in an absent or disrupted protein product. Loss-of-function variants in PCDH19 are known to be pathogenic (PMID: 21053371). This variant is not present in population databases (gnomAD no frequency). This variant has not been reported in the literature in individuals affected with PCDH19-related conditions. For these reasons, this variant has been classified as Pathogenic.

Literature cited by the submitters: PubMed 21053371.

NM_001184880.2(PCDH19):c.252del (p.Lys84fs)

Gene: PCDH19 (protocadherin 19; minus strand). Cytogenetic location: Xq22.1.
Variant type: Deletion.
Coding change: c.252del on transcript NM_001184880.2 (MANE Select); coding-DNA position 252, one base deleted (G; older notation c.252delG).
Protein change: p.Lys84fs; shifts the reading frame from lysine 84.
Molecular consequence: frameshift variant.
Genome position (GRCh38, 1-based): chrX:100,408,346, C deleted on the plus strand (G on the coding strand, the reverse complement: PCDH19 is on the minus strand). VCF-style (leftmost placement, unchanged base first): chrX-100408345-GC-G. GRCh37 (hg19) VCF-style: chrX-99663343-GC-G.
Other names: c.252del, p.Lys84fs (NM_001105243.2, NM_020766.3); short protein forms K84fs.
Identifiers: ClinVar variation 2005493 (VCV002005493.4), dbSNP rs2520996566, ClinGen allele CA2580100088.